The following is an entry in ClinVar:

ClinVar aggregate classification (germline): Likely benign (1 of 4 stars; one submission).

Submission:

CeGaT Center for Human Genetics Tuebingen
Classification: Likely benign. Last evaluated: 2026-04-01. Review status: criteria provided, single submitter. Criteria: CeGaT Center For Human Genetics Tuebingen Variant Classification Criteria Version 2. Collection method: clinical testing. Allele origin: germline. Affected: yes. Observed: 1 variant allele.
Comment: NBPF10: PM2:Supporting, BP4, BP7

NM_001302371.3(NBPF10):c.11346T>C (p.Ser3782=)

Gene: NBPF10 (NBPF member 10; minus strand). Cytogenetic location: 1q21.1.
Variant type: single nucleotide variant.
Coding change: c.11346T>C on transcript NM_001302371.3 (MANE Select); coding-DNA position 11346, T replaced by C.
Protein change: p.Ser3782=; no amino-acid change (serine 3782 retained).
Molecular consequence: synonymous variant.
Genome position (GRCh38, 1-based): chr1:146,066,360, A>G on the plus strand (T>C on the coding strand, the complement: NBPF10 is on the minus strand). VCF-style: chr1-146066360-A-G. GRCh37 (hg19) VCF-style: chr1-145368642-T-C.
Other names: c.10839T>C, p.Ser3613= (NM_001039703.6).
Identifiers: ClinVar variation 4873486 (VCV004873486.2).